The following is an entry in ClinVar:

NM_001378120.1(MBD5):c.4132C>G (p.His1378Asp)

Gene: MBD5 (methyl-CpG binding domain protein 5; plus strand). Cytogenetic location: 2q23.1.
Variant type: single nucleotide variant.
Coding change: c.4132C>G on transcript NM_001378120.1 (MANE Select); coding-DNA position 4132, C replaced by G.
Protein change: p.His1378Asp; replaces histidine 1378 with aspartic acid.
Molecular consequence: missense variant.
Genome position (GRCh38, 1-based): chr2:148,489,764, C>G. VCF-style: chr2-148489764-C-G. GRCh37 (hg19) VCF-style: chr2-149247333-C-G.
Other names: c.3433C>G, p.His1145Asp (NM_018328.5); short protein forms H1145D, H1378D.
Identifiers: ClinVar variation 3372575 (VCV003372575.1).

ClinVar aggregate classification (germline): Uncertain significance (1 of 4 stars; one submission).

Submission:

GeneDx
Classification: Uncertain significance. Last evaluated: 2024-04-15. Review status: criteria provided, single submitter. Criteria: GeneDx Variant Classification Process June 2021. Collection method: clinical testing. Allele origin: germline. Affected: yes.
Comment: Not observed at significant frequency in large population cohorts (gnomAD); In silico analysis indicates that this missense variant does not alter protein structure/function; Has not been previously published as pathogenic or benign to our knowledge